The following is an entry in ClinVar:

ClinVar aggregate classification (germline): Uncertain significance. Review status: criteria provided, multiple submitters, no conflicts (2 of 4 stars). 2 submissions from 2 submitters: Uncertain significance (2). Last evaluated 2024-09-18.

Conditions:
3-methylcrotonyl-CoA carboxylase 2 deficiency. Also called: 3 alpha methylcrotonyl-CoA carboxylase 2 deficiency; 3 alpha methylcrotonylglycinuria 2; MCC 2 deficiency; Methylcrotonylglycinuria type 2; METHYLCROTONYLGLYCINURIA, TYPE II. Identifiers: Orphanet 6, MedGen C1859499, MONDO:0008862, OMIM 210210.

Allele frequency attached by ClinVar (database versions not stated): gnomAD exomes below 0.00001 and 0.00001.
gnomAD v4.1: 3 of 1,614,148 alleles (0.00019%); highest among the groups gnomAD compares: Non-Finnish European, 0.00025%; no homozygotes.

Submissions (2):

Women's Health and Genetics/Laboratory Corporation of America, LabCorp
Classification: Uncertain significance. Last evaluated: 2024-09-18. Review status: criteria provided, single submitter. Criteria: LabCorp Variant Classification Summary - May 2015. Collection method: clinical testing. Allele origin: germline.
Comment: Variant summary: MCCC2 c.326A>G (p.Tyr109Cys) results in a non-conservative amino acid change located in the acetyl-coenzyme A carboxyltransferase, N-terminal domain (IPR011762) of the encoded protein sequence. Five of five in-silico tools predict a damaging effect of the variant on protein function. The variant allele was found at a frequency of 8e-06 in 251476 control chromosomes. The available data on variant occurrences in the general population are insufficient to allow any conclusion about variant significance. c.326A>G has been reported in the literature in at least an individual affected with Methylcrotonyl-CoA Carboxylase Deficiency (example: Cheng_2023). These report(s) do not provide unequivocal conclusions about association of the variant with Methylcrotonyl-CoA Carboxylase Deficiency. To our knowledge, no experimental evidence demonstrating an impact on protein function has been reported. The following publication has been ascertained in the context of this evaluation (PMID: 36822454). ClinVar contains an entry for this variant (Variation ID: 963392). Based on the evidence outlined above, the variant was classified as uncertain significance.

Labcorp Genetics (formerly Invitae), Labcorp
Classification: Uncertain significance for 3-methylcrotonyl-CoA carboxylase 2 deficiency. Last evaluated: 2021-08-27. Review status: criteria provided, single submitter. Criteria: Invitae Variant Classification Sherloc (09022015). Collection method: clinical testing. Allele origin: germline.
Comment: This sequence change replaces tyrosine with cysteine at codon 109 of the MCCC2 protein (p.Tyr109Cys). The tyrosine residue is highly conserved and there is a large physicochemical difference between tyrosine and cysteine. This variant is not present in population databases (ExAC no frequency). This variant has not been reported in the literature in individuals affected with MCCC2-related conditions. Algorithms developed to predict the effect of missense changes on protein structure and function are either unavailable or do not agree on the potential impact of this missense change (SIFT: "Deleterious"; PolyPhen-2: "Probably Damaging"; Align-GVGD: "Class C0"). In summary, the available evidence is currently insufficient to determine the role of this variant in disease. Therefore, it has been classified as a Variant of Uncertain Significance.

Literature cited by the submitters: PubMed 36822454 (cited by Women's Health and Genetics/Laboratory Corporation of America, LabCorp).

NM_022132.5(MCCC2):c.326A>G (p.Tyr109Cys)

Gene: MCCC2 (methylcrotonyl-CoA carboxylase subunit 2; plus strand). Cytogenetic location: 5q13.2.
Variant type: single nucleotide variant.
Coding change: c.326A>G on transcript NM_022132.5 (MANE Select); coding-DNA position 326, A replaced by G.
Protein change: p.Tyr109Cys; replaces tyrosine 109 with cysteine.
Molecular consequence: missense variant.
Genome position (GRCh38, 1-based): chr5:71,599,703, A>G. VCF-style: chr5-71599703-A-G. GRCh37 (hg19) VCF-style: chr5-70895530-A-G.
Other names: c.326A>G, p.Tyr109Cys (NM_001363147.1); short protein forms Y109C.
Identifiers: ClinVar variation 963392 (VCV000963392.5), dbSNP rs1450884624, ClinGen allele CA360008289.
Genomic context (GRCh38, chr5:71,599,703, plus strand): 5'-CCTTTCTTCGCTTTAGGTCTCCATTTCTGGAATTATCCCAGTTTGCAGGTTACCAGTTAT[A>G]TGACAATGAGGAGGTGCCAGGAGGTGGCATTATTACAGGCATTGGAAGAGTATCAGGGTG-3'
Protein context (NP_071415.1, residues 99-119): ELSQFAGYQL[Tyr109Cys]DNEEVPGGGI